The following is an entry in ClinVar:

ClinVar aggregate classification (germline): Uncertain significance. Review status: reviewed by expert panel (3 of 4 stars). 3 submissions from 3 submitters: Uncertain significance (1). 2 of the submissions do not count toward it. Last evaluated 2026-07-24.

Conditions:
Type 1 diabetes mellitus 20 (T1D20). Also called: Diabetes mellitus, insulin-dependent, 20. Identifiers: MedGen C2675866, MONDO:0012919, OMIM 612520.
Nonpapillary renal cell carcinoma. Identifiers: Orphanet 422526, MedGen CN074294, MONDO:0007763, OMIM 144700.
Hepatic adenomas, familial. Also called: LIVER CELL ADENOMAS, FAMILIAL; HEPATIC ADENOMA, SOMATIC. Identifiers: MedGen C1840646, MONDO:0007718, OMIM 142330.
Diabetes mellitus type 1 (T1D). Also called: Type I diabetes mellitus; Diabetes Mellitus, Juvenile-Onset. Identifiers: MedGen C0011854, MONDO:0005147, OMIM 222100, HP:0100651.
Maturity-onset diabetes of the young type 3. Also called: MODY, type III; MODY type 3. Identifiers: Orphanet 552, MedGen C1838100, MeSH C563933, MONDO:0010894, OMIM 600496. Disease mechanism: loss of function.
Type 2 diabetes mellitus. Also called: Type II diabetes mellitus. Identifiers: MedGen C0011860, MeSH D003924, MONDO:0005148, OMIM 125853, HP:0005978.
Monogenic diabetes. Identifiers: Orphanet 183625, MedGen C3888631, MONDO:0015967.

gnomAD v4.1: 7 of 1,608,490 alleles (0.00044%); highest among the groups gnomAD compares: South Asian, 0.0022%; no homozygotes.

Submissions (3):

ClinGen Monogenic Diabetes Variant Curation Expert Panel
Classification: Uncertain significance for Monogenic diabetes. Last evaluated: 2026-07-24. Review status: reviewed by expert panel. Criteria: ClinGen Diabetes ACMG Specifications HNF1A V3.1.0. Collection method: curation. Allele origin: germline. Inheritance: Autosomal dominant inheritance.
Comment: The c.1322C>T variant in the HNF1 homeobox A gene, HNF1A, causes an amino acid change of threonine to methionine at codon 354 (p.(Thr354Met)) of NM_000545.8. This variant has a Grpmax filtering allele frequency of 0.00000365 in gnomAD v4.1.0, which falls between ClinGen MDEP-established cutoffs for PM2_Supporting and BS1; thus, neither criterion will be applied. This variant was identified in two unrelated individuals with non- autoimmune and non-absolute/near-absolute insulin-deficient diabetes; however, PS4_Moderate cannot be applied because the variant does not meet the PM2_Supporting cutoff, and PP4 does not apply because the calculated MODY probability is <50% (internal lab contributors). This variant has a REVEL score of 0.624, which is between the ClinGen MDEP thresholds for BP4 and PP3, predicting neither a damaging nor benign impact on HNF1A function. In summary, c.1322C>T meets the criteria to be classified as a variant of uncertain significance for monogenic diabetes. ACMG/AMP criteria applied, as specified by the ClinGen MDEP (specification version 3.1, approved 10/10/2025): none.

Fulgent Genetics
Classification: Uncertain significance for Type 2 diabetes mellitus; Hepatic adenomas, familial; Nonpapillary renal cell carcinoma; Diabetes mellitus type 1; Maturity-onset diabetes of the young type 3; Type 1 diabetes mellitus 20. Last evaluated: 2024-06-25. Review status: criteria provided, single submitter. Criteria: ACMG Guidelines, 2015. Collection method: clinical testing. Allele origin: germline. Not counted in ClinVar's aggregate classification.

Labcorp Genetics (formerly Invitae), Labcorp
Classification: Uncertain significance. Last evaluated: 2022-09-23. Review status: criteria provided, single submitter. Criteria: Invitae Variant Classification Sherloc (09022015). Collection method: clinical testing. Allele origin: germline. Not counted in ClinVar's aggregate classification.
Comment: This sequence change replaces threonine, which is neutral and polar, with methionine, which is neutral and non-polar, at codon 441 of the HNF1A protein (p.Thr441Met). This variant is present in population databases (rs371544082, gnomAD 0.003%). This variant has not been reported in the literature in individuals affected with HNF1A-related conditions. Advanced modeling of protein sequence and biophysical properties (such as structural, functional, and spatial information, amino acid conservation, physicochemical variation, residue mobility, and thermodynamic stability) performed at Invitae indicates that this missense variant is not expected to disrupt HNF1A protein function. In summary, the available evidence is currently insufficient to determine the role of this variant in disease. Therefore, it has been classified as a Variant of Uncertain Significance.

NM_000545.8(HNF1A):c.1322C>T (p.Thr441Met)

Gene: HNF1A (HNF1 homeobox A; plus strand). Cytogenetic location: 12q24.31.
Variant type: single nucleotide variant.
Coding change: c.1322C>T on transcript NM_000545.8 (MANE Select); coding-DNA position 1322, C replaced by T.
Protein change: p.Thr441Met; replaces threonine 441 with methionine.
Molecular consequence: missense variant.
Genome position (GRCh38, 1-based): chr12:120,997,486, C>T. VCF-style: chr12-120997486-C-T. GRCh37 (hg19) VCF-style: chr12-121435289-C-T.
Other names: NM_000545.8(HNF1A):c.1322C>T; p.Thr441Met; c.1322C>T, p.Thr441Met (NM_001306179.2); short protein forms T441M.
Identifiers: ClinVar variation 1982213 (VCV001982213.6), dbSNP rs371544082, ClinGen allele CA6832022.